The following is an entry in ClinVar:

NM_001394372.1(BICRA):c.2104C>T (p.Gln702Ter)

Gene: BICRA (BRD4 interacting chromatin remodeling complex associated protein; plus strand). Cytogenetic location: 19q13.33.
Variant type: single nucleotide variant.
Coding change: c.2104C>T on transcript NM_001394372.1 (MANE Select); coding-DNA position 2104, C replaced by T.
Protein change: p.Gln702Ter; replaces glutamine 702 with a stop codon.
Molecular consequence: nonsense.
Genome position (GRCh38, 1-based): chr19:47,681,274, C>T. VCF-style: chr19-47681274-C-T. GRCh37 (hg19) VCF-style: chr19-48184531-C-T.
Other names: c.2104C>T, p.Gln702Ter (NM_015711.3); short protein forms Q702*.
Identifiers: ClinVar variation 4293045 (VCV004293045.1).

ClinVar aggregate classification (germline): Likely pathogenic (1 of 4 stars; one submission).

Conditions:
Coffin-Siris syndrome 12. Identifiers: MedGen C5444111, MONDO:0025699, OMIM 619325.

Submission:

3billion
Classification: Likely pathogenic for Coffin-Siris syndrome 12. Last evaluated: 2024-11-11. Review status: criteria provided, single submitter. Criteria: ACMG Guidelines, 2015. Collection method: clinical testing. Allele origin: germline. Affected: yes.
Comment: The variant is not observed in the gnomAD v4.1.0 dataset. Predicted Consequence/Location: Stop-gained (nonsense): predicted to result in a loss or disruption of normal protein function through nonsense-mediated decay (NMD) or protein truncation. Multiple pathogenic variants are reported downstream of the variant. Therefore, this variant is classified as Likely pathogenic according to the recommendation of ACMG/AMP guideline.